The following is an entry in ClinVar:

NM_022124.6(CDH23):c.4797C>G (p.Phe1599Leu)

Gene: CDH23 (cadherin related 23; plus strand). Cytogenetic location: 10q22.1.
Variant type: single nucleotide variant.
Coding change: c.4797C>G on transcript NM_022124.6 (MANE Select); coding-DNA position 4797, C replaced by G.
Protein change: p.Phe1599Leu; replaces phenylalanine 1599 with leucine.
Molecular consequence: missense variant.
Genome position (GRCh38, 1-based): chr10:71,741,873, C>G. VCF-style: chr10-71741873-C-G. GRCh37 (hg19) VCF-style: chr10-73501630-C-G.
Other names: short protein forms F1599L.
Identifiers: ClinVar variation 1902126 (VCV001902126.3), dbSNP rs1470816023, ClinGen allele CA377130376.

ClinVar aggregate classification (germline): Uncertain significance. Review status: criteria provided, multiple submitters, no conflicts (2 of 4 stars). 2 submissions from 2 submitters: Uncertain significance (2). Last evaluated 2022-09-06.

Conditions:
Inborn genetic diseases. Identifiers: MedGen C0950123, MeSH D030342.

Allele frequency attached by ClinVar (database versions not stated): gnomAD 0.00001; TOPMed 0.00003.
gnomAD v4.1: 2 of 1,610,126 alleles (0.00012%); highest among the groups gnomAD compares: Admixed American, 0.0017%; no homozygotes.

Submissions (2):

Ambry Genetics
Classification: Uncertain significance for Inborn genetic diseases. Last evaluated: 2022-09-06. Review status: criteria provided, single submitter. Criteria: Ambry Variant Classification Scheme 2023. Collection method: clinical testing. Allele origin: germline.

Labcorp Genetics (formerly Invitae), Labcorp
Classification: Uncertain significance. Last evaluated: 2022-01-22. Review status: criteria provided, single submitter. Criteria: Invitae Variant Classification Sherloc (09022015). Collection method: clinical testing. Allele origin: germline.
Comment: This sequence change replaces phenylalanine, which is neutral and non-polar, with leucine, which is neutral and non-polar, at codon 1599 of the CDH23 protein (p.Phe1599Leu). The frequency data for this variant in the population databases is considered unreliable, as metrics indicate poor data quality at this position in the gnomAD database. This variant has not been reported in the literature in individuals affected with CDH23-related conditions. Algorithms developed to predict the effect of missense changes on protein structure and function are either unavailable or do not agree on the potential impact of this missense change (SIFT: "Tolerated"; PolyPhen-2: "Not Available"; Align-GVGD: "Class C0"). In summary, the available evidence is currently insufficient to determine the role of this variant in disease. Therefore, it has been classified as a Variant of Uncertain Significance.